The following is an entry in ClinVar:

NM_001127222.2(CACNA1A):c.5940+5G>A

Gene: CACNA1A (calcium voltage-gated channel subunit alpha1 A; minus strand). Cytogenetic location: 19p13.13.
Variant type: single nucleotide variant.
Coding change: c.5940+5G>A on transcript NM_001127222.2 (MANE Select); 5 bases into the intron after coding-DNA position 5940, G replaced by A.
Molecular consequence: intron variant.
Genome position (GRCh38, 1-based): chr19:13,214,228, C>T on the plus strand (G>A on the coding strand, the complement: CACNA1A is on the minus strand). VCF-style: chr19-13214228-C-T. GRCh37 (hg19) VCF-style: chr19-13325042-C-T.
Other names: c.5943+5G>A (NM_001127221.2); c.5949+5G>A (NM_001174080.2); c.5958+5G>A (NM_000068.4, NM_023035.3).
Identifiers: ClinVar variation 659673 (VCV000659673.16), dbSNP rs780060495, ClinGen allele CA9239539.

ClinVar aggregate classification (germline): Conflicting classifications of pathogenicity. Review status: criteria provided, conflicting classifications (1 of 4 stars). 3 submissions from 3 submitters: Uncertain significance (1); Likely benign (2). Last evaluated 2024-05-12.

Conditions:
Inborn genetic diseases. Identifiers: MedGen C0950123, MeSH D030342.
Developmental and epileptic encephalopathy, 42 (DEE42A). Also called: Epileptic encephalopathy, early infantile, 42; DEVELOPMENTAL AND EPILEPTIC ENCEPHALOPATHY 42A; EPILEPTIC ENCEPHALOPATHY, EARLY INFANTILE, 42A. Identifiers: MedGen C4310716, MONDO:0014917, OMIM 617106.
Episodic ataxia type 2 (EA2). Also called: CEREBELLAR ATAXIA, PAROXYSMAL, ACETAZOLAMIDE-RESPONSIVE; CEREBELLOPATHY, HEREDITARY PAROXYSMAL; EPISODIC ATAXIA, NYSTAGMUS-ASSOCIATED; ATAXIA, EPISODIC, WITH NYSTAGMUS; ATAXIA, FAMILIAL PAROXYSMAL; ACETAZOLAMIDE-RESPONSIVE HEREDITARY PAROXYSMAL CEREBELLAR ATAXIA. Identifiers: Orphanet 97, MedGen C1720416, MONDO:0007163, OMIM 108500.

Allele frequency attached by ClinVar (database versions not stated): gnomAD exomes 0.00001 and 0.00002; ExAC 0.00003; gnomAD 0.00003; TOPMed 0.00003.
gnomAD v4.1: 21 of 1,604,298 alleles (0.0013%); highest among the groups gnomAD compares: African/African-American, 0.008%; no homozygotes.

Submissions (3):

Labcorp Genetics (formerly Invitae), Labcorp
Classification: Likely benign for Developmental and epileptic encephalopathy, 42; Episodic ataxia type 2. Last evaluated: 2024-05-12. Review status: criteria provided, single submitter. Criteria: Invitae Variant Classification Sherloc (09022015). Collection method: clinical testing. Allele origin: germline.

Ambry Genetics
Classification: Likely benign for Inborn genetic diseases. Last evaluated: 2021-11-17. Review status: criteria provided, single submitter. Criteria: Ambry Variant Classification Scheme 2023. Collection method: clinical testing. Allele origin: germline.

GeneDx
Classification: Uncertain significance. Last evaluated: 2020-05-06. Review status: criteria provided, single submitter. Criteria: GeneDx Variant Classification Process June 2021. Collection method: clinical testing. Allele origin: germline. Affected: yes.
Comment: In silico analysis supports a deleterious effect on splicing; Has not been previously published as pathogenic or benign to our knowledge